The following is an entry in ClinVar:

NM_006736.6(DNAJB2):c.562G>A (p.Gly188Arg)

Gene: DNAJB2 (DnaJ heat shock protein family (Hsp40) member B2; plus strand). Cytogenetic location: 2q35.
Variant type: single nucleotide variant.
Coding change: c.562G>A on transcript NM_006736.6 (MANE Select); coding-DNA position 562, G replaced by A.
Protein change: p.Gly188Arg; replaces glycine 188 with arginine.
Molecular consequence: missense variant.
Genome position (GRCh38, 1-based): chr2:219,283,432, G>A. VCF-style: chr2-219283432-G-A. GRCh37 (hg19) VCF-style: chr2-220148154-G-A.
Other names: c.562G>A, p.Gly188Arg (NM_001039550.2); short protein forms G188R.
Identifiers: ClinVar variation 2889176 (VCV002889176.1), dbSNP rs764178720, ClinGen allele CA2123038.
Genomic context (GRCh38, chr2:219,283,432, plus strand): 5'-CAGGATTCTGTCACTGCTCGTTGCCTGAACTGTGCTGTCTCCCACAGAATCATGGAGAAC[G>A]GGCAGGAGCGGGTGGAAGTGGAGGAGGATGGGCAGCTGAAGTCAGTCACAATCAATGGTG-3'
Protein context (NP_006727.2, residues 178-198): RITTRRIMEN[Gly188Arg]QERVEVEEDG

ClinVar aggregate classification (germline): Uncertain significance (1 of 4 stars; one submission).

Conditions:
Neuronopathy, distal hereditary motor, autosomal recessive 5. Also called: Spinal muscular atrophy, distal, autosomal recessive, 5; Young adult-onset distal hereditary motor neuropathy; NEUROPATHY, DISTAL HEREDITARY MOTOR, AUTOSOMAL RECESSIVE 5. Identifiers: Orphanet 314485, Orphanet 443950, MedGen C4749918, MONDO:0013947, OMIM 614881.

Allele frequency attached by ClinVar (database versions not stated): TOPMed 0.00005.
gnomAD v4.1: 10 of 1,613,940 alleles (0.00062%); highest among the groups gnomAD compares: Middle Eastern, 0.033%; no homozygotes.

Submission:

Labcorp Genetics (formerly Invitae), Labcorp
Classification: Uncertain significance for Neuronopathy, distal hereditary motor, autosomal recessive 5. Last evaluated: 2023-07-17. Review status: criteria provided, single submitter. Criteria: Invitae Variant Classification Sherloc (09022015). Collection method: clinical testing. Allele origin: germline.
Comment: In summary, the available evidence is currently insufficient to determine the role of this variant in disease. Therefore, it has been classified as a Variant of Uncertain Significance. This sequence change replaces glycine, which is neutral and non-polar, with arginine, which is basic and polar, at codon 188 of the DNAJB2 protein (p.Gly188Arg). This variant is present in population databases (rs764178720, gnomAD 0.01%). This variant has not been reported in the literature in individuals affected with DNAJB2-related conditions. Advanced modeling of protein sequence and biophysical properties (such as structural, functional, and spatial information, amino acid conservation, physicochemical variation, residue mobility, and thermodynamic stability) has been performed at Invitae for this missense variant, however the output from this modeling did not meet the statistical confidence thresholds required to predict the impact of this variant on DNAJB2 protein function.